The following is an entry in ClinVar:

NM_014425.5(INVS):c.2337G>C (p.Arg779=)

Gene: INVS (inversin; plus strand). Cytogenetic location: 9q31.1.
Variant type: single nucleotide variant.
Coding change: c.2337G>C on transcript NM_014425.5 (MANE Select); coding-DNA position 2337, G replaced by C.
Protein change: p.Arg779=; no amino-acid change (arginine 779 retained).
Molecular consequence: synonymous variant. On other transcripts: non-coding transcript variant (1).
Genome position (GRCh38, 1-based): chr9:100,292,594, G>C. VCF-style: chr9-100292594-G-C. GRCh37 (hg19) VCF-style: chr9-103054876-G-C.
Other names: c.2049G>C, p.Arg683= (NM_001318381.2); c.1359G>C, p.Arg453= (NM_001318382.2); c.2337G>C (NM_014425.4).
Identifiers: ClinVar variation 592215 (VCV000592215.14), dbSNP rs779298889, ClinGen allele CA5158603.

ClinVar aggregate classification (germline): Conflicting classifications of pathogenicity. Review status: criteria provided, conflicting classifications (1 of 4 stars). 3 submissions from 3 submitters: Uncertain significance (1); Likely benign (1). 1 of the submissions does not count toward it. Last evaluated 2025-06-12.

Conditions:
INVS-related disorder. Also called: INVS-related condition.
Nephronophthisis. Also called: Juvenile Nephronophthisis. Identifiers: Orphanet 655, MedGen C0687120, MONDO:0019005, HP:0000090.

Allele frequency attached by ClinVar (database versions not stated): gnomAD 0.00002 and 0.00003; TOPMed 0.00002; gnomAD exomes 0.00003; ExAC 0.00004.
gnomAD v4.1: 40 of 1,614,086 alleles (0.0025%); highest among the groups gnomAD compares: Non-Finnish European, 0.0034%; no homozygotes.

Submissions (3):

Labcorp Genetics (formerly Invitae), Labcorp
Classification: Likely benign for Nephronophthisis. Last evaluated: 2025-06-12. Review status: criteria provided, single submitter. Criteria: Invitae Variant Classification Sherloc (09022015). Collection method: clinical testing. Allele origin: germline.

Eurofins Ntd Llc (ga)
Classification: Uncertain significance. Last evaluated: 2018-04-20. Review status: criteria provided, single submitter. Criteria: EGL ClinVar v180209 classification definitions. Collection method: clinical testing. Allele origin: germline. Observed: 2 variant alleles, 2 heterozygotes.

PreventionGenetics, part of Exact Sciences
Classification: Likely benign for INVS-related condition. Last evaluated: 2024-08-06. Review status: no assertion criteria provided. Collection method: clinical testing. Allele origin: germline. Not counted in ClinVar's aggregate classification.
Comment: This variant is classified as likely benign based on ACMG/AMP sequence variant interpretation guidelines (Richards et al. 2015 PMID: 25741868, with internal and published modifications).